The following is an entry in ClinVar:

NM_002393.5(MDM4):c.222A>T (p.Val74=)

Gene: MDM4 (MDM4 regulator of p53; plus strand). Cytogenetic location: 1q32.1.
Variant type: single nucleotide variant.
Coding change: c.222A>T on transcript NM_002393.5 (MANE Select); coding-DNA position 222, A replaced by T.
Protein change: p.Val74=; no amino-acid change (valine 74 retained).
Molecular consequence: synonymous variant. On other transcripts: intron variant (3).
Genome position (GRCh38, 1-based): chr1:204,530,752, A>T. VCF-style: chr1-204530752-A-T. GRCh37 (hg19) VCF-style: chr1-204499880-A-T.
Other names: c.222A>T, p.Val74= (NM_001204171.2, NM_001278516.2, NM_001278518.2); c.153+4318A>T (NM_001278519.2); c.78+5156A>T (NM_001278517.2, NM_001204172.2).
Identifiers: ClinVar variation 774283 (VCV000774283.34), dbSNP rs61749329, ClinGen allele CA1348537.
Genomic context (GRCh38, chr1:204,530,752, plus strand): 5'-CTATTTAGGTCAGTACATAATGGTGAAGCAACTTTATGATCAGCAGGAGCAGCATATGGT[A>T]TATTGTGGTGGAGATCTTTTGGGAGAACTACTGGGACGTCAGAGCTTCTCCGTGAAAGAC-3'
Protein context (NP_002384.2, residues 64-84): QLYDQQEQHM[Val74=]YCGGDLLGEL

ClinVar aggregate classification (germline): Benign/Likely benign. Review status: criteria provided, multiple submitters, no conflicts (2 of 4 stars). 3 submissions from 3 submitters: Benign (2); Likely benign (1). Last evaluated 2026-05-01.

Allele frequency attached by ClinVar (database versions not stated): 1000 Genomes Project 30x 0.00297; 1000 Genomes Project 0.00339; TOPMed 0.00634; gnomAD exomes 0.00663; ExAC 0.00666; gnomAD 0.00713 and 0.00762; ESP Exome Variant Server 0.00738.
gnomAD v4.1: 13,350 of 1,614,198 alleles (0.83%); highest among the groups gnomAD compares: Non-Finnish European, 0.96%; 73 homozygotes.

Submissions (3):

CeGaT Center for Human Genetics Tuebingen
Classification: Likely benign. Last evaluated: 2026-05-01. Review status: criteria provided, single submitter. Criteria: CeGaT Center For Human Genetics Tuebingen Variant Classification Criteria Version 2. Collection method: clinical testing. Allele origin: germline. Affected: yes. Observed: 10 variant alleles.
Comment: MDM4: BP4, BP7, BS2

Labcorp Genetics (formerly Invitae), Labcorp
Classification: Benign. Last evaluated: 2018-07-04. Review status: criteria provided, single submitter. Criteria: Invitae Variant Classification Sherloc (09022015). Collection method: clinical testing. Allele origin: germline.

Breakthrough Genomics
Classification: Benign. Review status: criteria provided, single submitter. Criteria: ACMG Guidelines, 2015. Collection method: not provided. Allele origin: germline. Inheritance: Autosomal dominant inheritance. Affected: yes.